The following is an entry in ClinVar:

ClinVar aggregate classification (germline): Likely benign. Review status: criteria provided, multiple submitters, no conflicts (2 of 4 stars). 5 submissions from 5 submitters: Likely benign (4). 1 of the submissions does not count toward it. Last evaluated 2026-02-03.

Conditions:
Microcephaly-intellectual disability-sensorineural hearing loss-epilepsy-abnormal muscle tone syndrome (NEDHSB). Also called: NEURODEVELOPMENTAL DISORDER WITH HEARING LOSS, SEIZURES, AND BRAIN ABNORMALITIES. Identifiers: Orphanet 457351, MedGen C4225276, MONDO:0014698, OMIM 616577.
AFG2A-related disorder. Also called: AFG2A-related condition.

Allele frequency attached by ClinVar (database versions not stated): gnomAD 0.00115 and 0.00109; TOPMed 0.00119; 1000 Genomes Project 30x 0.00219; 1000 Genomes Project 0.00220; gnomAD exomes 0.00009 and 0.00024; ExAC 0.00027; ESP Exome Variant Server 0.00069.
gnomAD v4.1: 294 of 1,614,212 alleles (0.018%); highest among the groups gnomAD compares: African/African-American, 0.35%; no homozygotes.

Submissions (5):

Labcorp Genetics (formerly Invitae), Labcorp
Classification: Likely benign for Microcephaly-intellectual disability-sensorineural hearing loss-epilepsy-abnormal muscle tone syndrome. Last evaluated: 2026-02-03. Review status: criteria provided, single submitter. Criteria: Invitae Variant Classification Sherloc (09022015). Collection method: clinical testing. Allele origin: germline.

Women's Health and Genetics/Laboratory Corporation of America, LabCorp
Classification: Likely benign. Last evaluated: 2025-11-11. Review status: criteria provided, single submitter. Criteria: LabCorp Variant Classification Summary - May 2015. Collection method: clinical testing. Allele origin: germline.
Comment: Variant summary: AFG2A c.766A>G (p.Ile256Val) results in a conservative amino acid change in the encoded protein sequence. Algorithms developed to predict the effect of missense changes on protein structure and function all suggest that this variant is likely to be tolerated. The variant was absent in 282832 control chromosomes. The observed variant frequency within African or African-American control individuals in the gnomAD database exceeds the estimated maximal expected allele frequency for disease-causing variants in AFG2A. To our knowledge, no occurrence of c.766A>G in individuals affected with AFG2A-related conditions and no experimental evidence demonstrating its impact on protein function have been reported. ClinVar contains an entry for this variant (Variation ID: 475733). Based on the evidence outlined above, the variant was classified as likely benign.

Athena Diagnostics
Classification: Likely benign. Last evaluated: 2024-06-06. Review status: criteria provided, single submitter. Criteria: Athena Diagnostics Criteria. Collection method: clinical testing. Allele origin: unknown.

GeneDx
Classification: Likely benign. Last evaluated: 2021-02-01. Review status: criteria provided, single submitter. Criteria: GeneDx Variant Classification Process June 2021. Collection method: clinical testing. Allele origin: germline. Affected: yes.

PreventionGenetics, part of Exact Sciences
Classification: Likely benign for AFG2A-related condition. Last evaluated: 2021-04-08. Review status: no assertion criteria provided. Collection method: clinical testing. Allele origin: germline. Not counted in ClinVar's aggregate classification.
Comment: This variant is classified as likely benign based on ACMG/AMP sequence variant interpretation guidelines (Richards et al. 2015 PMID: 25741868, with internal and published modifications).

NM_145207.3(AFG2A):c.766A>G (p.Ile256Val)

Gene: AFG2A (AAA ATPase AFG2A; plus strand). Cytogenetic location: 4q28.1.
Variant type: single nucleotide variant.
Coding change: c.766A>G on transcript NM_145207.3 (MANE Select); coding-DNA position 766, A replaced by G.
Protein change: p.Ile256Val; replaces isoleucine 256 with valine.
Molecular consequence: missense variant.
Genome position (GRCh38, 1-based): chr4:122,934,357, A>G. VCF-style: chr4-122934357-A-G. GRCh37 (hg19) VCF-style: chr4-123855512-A-G.
Other names: c.763A>G, p.Ile255Val (NM_001317799.2, NM_001345856.2); short protein forms I256V, I255V.
Identifiers: ClinVar variation 475733 (VCV000475733.18), dbSNP rs143384152, ClinGen allele CA3070314.